The following is an entry in ClinVar:

NM_000051.4(ATM):c.1841G>T (p.Ser614Ile)

Gene: ATM (ATM serine/threonine kinase; plus strand). Cytogenetic location: 11q22.3.
Variant type: single nucleotide variant.
Coding change: c.1841G>T on transcript NM_000051.4 (MANE Select); coding-DNA position 1841, G replaced by T.
Protein change: p.Ser614Ile; replaces serine 614 with isoleucine.
Molecular consequence: missense variant.
Genome position (GRCh38, 1-based): chr11:108,252,855, G>T. VCF-style: chr11-108252855-G-T. GRCh37 (hg19) VCF-style: chr11-108123582-G-T.
Other names: c.1841G>T, p.Ser614Ile (NM_001351834.2); short protein forms S614I.
Identifiers: ClinVar variation 661832 (VCV000661832.6), dbSNP rs770377706, ClinGen allele CA382535832.
Genomic context (GRCh38, chr11:108,252,855, plus strand): 5'-AGCTTTTTGTTTTTCTTTGTAGTAATTTTCCTCATCTTGTACTGGAGAAAATTCTTGTGA[G>T]TCTCACTATGAAAAACTGTAAAGCTGCAATGAATTTTTTCCAAAGCGTGCCAGAATGGTA-3'
Protein context (NP_000042.3, residues 604-624): PHLVLEKILV[Ser614Ile]LTMKNCKAAM

ClinVar aggregate classification (germline): Uncertain significance (1 of 4 stars; one submission).

Conditions:
Ataxia-telangiectasia syndrome (AT). Also called: Ataxia-telangiectasia, complementation group D; AT, COMPLEMENTATION GROUP C; Ataxia telangiectasia (A-T); Cerebello-oculocutaneous telangiectasia; Immunodeficiency with ataxia telangiectasia; ATAXIA-TELANGIECTASIA, COMPLEMENTATION GROUP A. Identifiers: Orphanet 100, MedGen C0004135, MONDO:0008840, OMIM 208900.

Submission:

Labcorp Genetics (formerly Invitae), Labcorp
Classification: Uncertain significance for Ataxia-telangiectasia syndrome. Last evaluated: 2021-09-01. Review status: criteria provided, single submitter. Criteria: Invitae Variant Classification Sherloc (09022015). Collection method: clinical testing. Allele origin: germline.
Comment: This sequence change replaces serine with isoleucine at codon 614 of the ATM protein (p.Ser614Ile). The serine residue is moderately conserved and there is a large physicochemical difference between serine and isoleucine. This variant is not present in population databases (ExAC no frequency). This variant has not been reported in the literature in individuals affected with ATM-related conditions. Algorithms developed to predict the effect of missense changes on protein structure and function are either unavailable or do not agree on the potential impact of this missense change (SIFT: "Deleterious"; PolyPhen-2: "Probably Damaging"; Align-GVGD: "Class C0"). In summary, the available evidence is currently insufficient to determine the role of this variant in disease. Therefore, it has been classified as a Variant of Uncertain Significance.